The following is an entry in ClinVar:

ClinVar aggregate classification (germline): Likely benign (1 of 4 stars; one submission).

Conditions:
Tuberous sclerosis syndrome (TSC). Also called: Tuberous Sclerosis Complex; Tuberous sclerosis. Identifiers: Orphanet 805, MedGen C0041341, MONDO:0001734.

Submission:

All of Us Research Program, National Institutes of Health
Classification: Likely benign for Tuberous sclerosis syndrome. Last evaluated: 2023-11-02. Review status: criteria provided, single submitter. Criteria: ACMG Guidelines, 2015. Collection method: clinical testing. Allele origin: germline. Inheritance: Autosomal dominant inheritance. Observed: 1 variant allele, 1 heterozygote.
Comment: This study involves interpretation of variants in research participants for the purpose of population health screening. Participant phenotype was not available at the time of variant classification. Additional details can be found in publication PMID: 35346344, PMCID: PMC8962531

NM_000548.5(TSC2):c.4641C>G (p.Val1547=)

Gene: TSC2 (TSC complex subunit 2; plus strand). Cytogenetic location: 16p13.3.
Variant type: single nucleotide variant.
Coding change: c.4641C>G on transcript NM_000548.5 (MANE Select); coding-DNA position 4641, C replaced by G.
Protein change: p.Val1547=; no amino-acid change (valine 1547 retained).
Molecular consequence: synonymous variant. On other transcripts: non-coding transcript variant (5).
Genome position (GRCh38, 1-based): chr16:2,085,301, C>G. VCF-style: chr16-2085301-C-G. GRCh37 (hg19) VCF-style: chr16-2135302-C-G.
Other names: c.4440C>G, p.Val1480= (NM_001077183.3); c.4572C>G, p.Val1524= (NM_001114382.3); c.4332C>G, p.Val1444= (NM_001318827.2); c.4296C>G, p.Val1432= (NM_001318829.2); c.3909C>G, p.Val1303= (NM_001318831.2); c.4473C>G, p.Val1491= (NM_001318832.2); c.4443C>G, p.Val1481= (NM_001363528.2); c.4509C>G, p.Val1503= (NM_001370404.1); and 26 more.
Identifiers: ClinVar variation 3074298 (VCV003074298.1), dbSNP rs1060504087, ClinGen allele CA492958563.